The following is an entry in ClinVar:

NC_000004.11:g.(?_155506411)_(155510715_155511785)del

Gene: FGA (fibrinogen alpha chain; minus strand). Cytogenetic location: 4q31.3.
Variant type: Deletion.
Identifiers: ClinVar variation 2506047 (VCV002506047.1).

ClinVar aggregate classification (germline): Pathogenic (1 of 4 stars; one submission).

Conditions:
Familial dysfibrinogenemia. Also called: Dysfibrinogenemia, congenital. Identifiers: Orphanet 335, Orphanet 98881, MedGen C0272350, MONDO:0014452, OMIM 616004.

Submission:

Women's Health and Genetics/Laboratory Corporation of America, LabCorp
Classification: Pathogenic for Familial dysfibrinogenemia. Last evaluated: 2023-05-24. Review status: criteria provided, single submitter. Criteria: LabCorp Variant Classification Summary - May 2015. Collection method: clinical testing. Allele origin: germline.
Comment: Variant summary: The variant identified by MLPA or other technology involves the deletion of exons 2-5 in the FGA gene. A presumed nomenclature of c.(54+1_55-1)_(*235_?)del has been designated for the purposes of this classification. Although exact breakpoints of this deletion are not known, it is expected to result in disruption of the terminal 4 exons of the FGA gene, a region in which other variants have been classified as pathogenic by our lab. The variant allele was found at a frequency of 9.2e-05 in 21694 control chromosomes (gnomAD Structural Variants dataset). The variant, c.(54+1_55-1)_(*235_?)del, has been reported in the literature in both homozygous and compound heterozygous individuals affected with congenital afibrinogenemia (e.g., Neerman-Arbez_2000, Neerman-Arbez_1999). These data indicate that the variant is very likely to be associated with disease. To our knowledge, no experimental evidence demonstrating an impact on protein function has been reported. The following publications have been ascertained in the context of this evaluation (PMID: 9916133, 10891444). No clinical diagnostic laboratories have submitted clinical-significance assessments for this variant to ClinVar after 2014. Based on the evidence outlined above, the variant was classified as pathogenic.

Literature cited by the submitters: PubMed 10891444; PubMed 9916133.